The following is an entry in ClinVar:

NC_000007.13:g.(?_94248050)_(94248288_?)del

Gene: SGCE (sarcoglycan epsilon; minus strand). Cytogenetic location: 7q21.3.
Variant type: Deletion.
Identifiers: ClinVar variation 1459085 (VCV001459085.4).

ClinVar aggregate classification (germline): Pathogenic (1 of 4 stars; one submission).

Conditions:
Myoclonic dystonia 11 (DYT11). Also called: DYT-SGCE; Myoclonic dystonia; Dystonia 11; Dystonia, alcohol responsive; Hereditary essential myoclonus; SGCE Myoclonus-Dystonia. Identifiers: Orphanet 36899, MedGen C1834570, MONDO:0008044, OMIM 159900.

Submission:

Labcorp Genetics (formerly Invitae), Labcorp
Classification: Pathogenic for Myoclonic dystonia 11. Last evaluated: 2023-09-27. Review status: criteria provided, single submitter. Criteria: Invitae Variant Classification Sherloc (09022015). Collection method: clinical testing. Allele origin: germline.
Comment: This variant is a gross deletion of the genomic region encompassing exon(s) 5 of the SGCE gene. This deletion is out-of-frame, and is expected to create a premature termination codon and result in an absent or disrupted protein product. Loss-of-function variants in SGCE are known to be pathogenic (PMID: 12821748, 15389977, 17853490, 24297365). A similar copy number variant has been observed in individuals with myoclonus-dystonia (PMID: 16240355, 19133653). It has also been observed to segregate with disease in related individuals. For these reasons, this variant has been classified as Pathogenic.

Literature cited by the submitters: PubMed 12821748; PubMed 15389977; PubMed 17853490; PubMed 24297365; PubMed 16240355; PubMed 19133653.